The following is an entry in ClinVar:

ClinVar aggregate classification (germline): Uncertain significance (1 of 4 stars; one submission).

Submission:

Labcorp Genetics (formerly Invitae), Labcorp
Classification: Uncertain significance. Last evaluated: 2024-05-09. Review status: criteria provided, single submitter. Criteria: Invitae Variant Classification Sherloc (09022015). Collection method: clinical testing. Allele origin: germline.
Comment: This sequence change replaces glycine, which is neutral and non-polar, with arginine, which is basic and polar, at codon 1977 of the ADGRV1 protein (p.Gly1977Arg). This variant is not present in population databases (gnomAD no frequency). This variant has not been reported in the literature in individuals affected with ADGRV1-related conditions. Advanced modeling of protein sequence and biophysical properties (such as structural, functional, and spatial information, amino acid conservation, physicochemical variation, residue mobility, and thermodynamic stability) has been performed at Invitae for this missense variant, however the output from this modeling did not meet the statistical confidence thresholds required to predict the impact of this variant on ADGRV1 protein function. In summary, the available evidence is currently insufficient to determine the role of this variant in disease. Therefore, it has been classified as a Variant of Uncertain Significance.

NM_032119.4(ADGRV1):c.5929G>A (p.Gly1977Arg)

Gene: ADGRV1 (adhesion G protein-coupled receptor V1; plus strand). Cytogenetic location: 5q14.3.
Variant type: single nucleotide variant.
Coding change: c.5929G>A on transcript NM_032119.4 (MANE Select); coding-DNA position 5929, G replaced by A.
Protein change: p.Gly1977Arg; replaces glycine 1977 with arginine.
Molecular consequence: missense variant. On other transcripts: non-coding transcript variant (1).
Genome position (GRCh38, 1-based): chr5:90,683,850, G>A. VCF-style: chr5-90683850-G-A. GRCh37 (hg19) VCF-style: chr5-89979667-G-A.
Other names: short protein forms G1977R.
Identifiers: ClinVar variation 3644765 (VCV003644765.2).